The following is an entry in ClinVar:

NM_001365951.3(KIF1B):c.4341C>G (p.Cys1447Trp)

Gene: KIF1B (kinesin family member 1B; plus strand). Cytogenetic location: 1p36.22.
Variant type: single nucleotide variant.
Coding change: c.4341C>G on transcript NM_001365951.3 (MANE Select); coding-DNA position 4341, C replaced by G.
Protein change: p.Cys1447Trp; replaces cysteine 1447 with tryptophan.
Molecular consequence: missense variant.
Genome position (GRCh38, 1-based): chr1:10,363,319, C>G. VCF-style: chr1-10363319-C-G. GRCh37 (hg19) VCF-style: chr1-10423377-C-G.
Other names: c.4341C>G, p.Cys1447Trp (NM_001365952.1); c.4203C>G, p.Cys1401Trp (NM_015074.3); short protein forms C1447W, C1401W.
Identifiers: ClinVar variation 2625690 (VCV002625690.2), dbSNP rs2521898133, ClinGen allele CA338318703.

ClinVar aggregate classification (germline): Uncertain significance (1 of 4 stars; one submission).

Allele frequency attached by ClinVar (database versions not stated): gnomAD exomes below 0.00001.
gnomAD v4.1: 1 of 1,613,286 alleles (0.000062%); highest among the groups gnomAD compares: Non-Finnish European, 0.000085%; no homozygotes.

Submission:

Ambry Genetics
Classification: Uncertain significance. Last evaluated: 2023-06-24. Review status: criteria provided, single submitter. Criteria: Ambry Variant Classification Scheme 2023. Collection method: clinical testing. Allele origin: germline.
Comment: The p.C1401W variant (also known as c.4203C>G), located in coding exon 38 of the KIF1B gene, results from a C to G substitution at nucleotide position 4203. The cysteine at codon 1401 is replaced by tryptophan, an amino acid with highly dissimilar properties. This amino acid position is conserved. In addition, this alteration is predicted to be deleterious by in silico analysis. Since supporting evidence is limited at this time, the clinical significance of this alteration remains unclear.